The following is an entry in ClinVar:

NM_000321.3(RB1):c.1912A>G (p.Thr638Ala)

Gene: RB1 (RB transcriptional corepressor 1; plus strand). Cytogenetic location: 13q14.2.
Variant type: single nucleotide variant.
Coding change: c.1912A>G on transcript NM_000321.3 (MANE Select); coding-DNA position 1912, A replaced by G.
Protein change: p.Thr638Ala; replaces threonine 638 with alanine.
Molecular consequence: missense variant.
Genome position (GRCh38, 1-based): chr13:48,456,301, A>G. VCF-style: chr13-48456301-A-G. GRCh37 (hg19) VCF-style: chr13-49030437-A-G.
Other names: c.1912A>G, p.Thr638Ala (NM_001407165.1); short protein forms T638A.
Identifiers: ClinVar variation 1782520 (VCV001782520.3), dbSNP rs2542364234, ClinGen allele CA388166106.
Genomic context (GRCh38, chr13:48,456,301, plus strand): 5'-TCAACTACGCGTGTAAATTCTACTGCAAATGCAGAGACACAAGCAACCTCAGCCTTCCAG[A>G]CCCAGAAGCCATTGAAATCTACCTCTCTTTCACTGTTTTATAAAAAAGGTTAGTAGATGA-3'
Protein context (NP_000312.2, residues 628-648): AETQATSAFQ[Thr638Ala]QKPLKSTSLS

ClinVar aggregate classification (germline): Uncertain significance. Review status: criteria provided, multiple submitters, no conflicts (2 of 4 stars). 2 submissions from 2 submitters: Uncertain significance (2). Last evaluated 2025-07-10.

Conditions:
Hereditary cancer-predisposing syndrome. Also called: Neoplastic Syndromes, Hereditary; Tumor predisposition; Hereditary Cancer Syndrome; Hereditary neoplastic syndrome. Identifiers: Orphanet 140162, MedGen C0027672, MeSH D009386, MONDO:0015356.
Retinoblastoma (RB1). Also called: RETINOBLASTOMA, SOMATIC. Identifiers: Orphanet 790, MedGen C0035335, MeSH D012175, MONDO:0008380, OMIM 180200, HP:0009919. Disease mechanism: loss of function. Inheritance: Both sporadic and heritable forms are tested..

Submissions (2):

Color Diagnostics, LLC DBA Color Health
Classification: Uncertain significance for Retinoblastoma. Last evaluated: 2025-07-10. Review status: criteria provided, single submitter. Criteria: ACMG Guidelines, 2015. Collection method: clinical testing. Allele origin: germline.
Comment: This missense variant replaces threonine with alanine at codon 638 of the RB1 protein. Computational prediction suggests that this variant may not impact protein structure and function. To our knowledge, functional studies have not been reported for this variant. This variant has not been reported in individuals affected with RB1-related disorders in the literature. This variant has not been identified in the general population by the Genome Aggregation Database (gnomAD). The available evidence is insufficient to determine the role of this variant in disease conclusively. Therefore, this variant is classified as a Variant of Uncertain Significance.

Ambry Genetics
Classification: Uncertain significance for Hereditary cancer-predisposing syndrome. Last evaluated: 2022-08-17. Review status: criteria provided, single submitter. Criteria: Ambry Variant Classification Scheme 2023. Collection method: clinical testing. Allele origin: germline.
Comment: The p.T638A variant (also known as c.1912A>G), located in coding exon 19 of the RB1 gene, results from an A to G substitution at nucleotide position 1912. The threonine at codon 638 is replaced by alanine, an amino acid with similar properties. This amino acid position is conserved. In addition, this alteration is predicted to be tolerated by in silico analysis. Since supporting evidence is limited at this time, the clinical significance of this alteration remains unclear.